The following is an entry in ClinVar:

NM_017841.4(SDHAF2):c.*657A>G

Gene: SDHAF2 (succinate dehydrogenase complex assembly factor 2; plus strand). Cytogenetic location: 11q12.2.
Variant type: single nucleotide variant.
Coding change: c.*657A>G on transcript NM_017841.4 (MANE Select); 657 bases downstream of the stop codon, A replaced by G.
Molecular consequence: 3 prime UTR variant.
Genome position (GRCh38, 1-based): chr11:61,446,728, A>G. VCF-style: chr11-61446728-A-G. GRCh37 (hg19) VCF-style: chr11-61214200-A-G.
Identifiers: ClinVar variation 878448 (VCV000878448.4), dbSNP rs555659135, ClinGen allele CA222883004.

ClinVar aggregate classification (germline): Benign (1 of 4 stars; one submission).

Conditions:
Hereditary pheochromocytoma and paraganglioma. Also called: Hereditary pheochromocytoma-paraganglioma; Hereditary paragangliomas and pheochromocytomas; Hereditary Paraganglioma-Pheochromocytoma Syndromes. Identifiers: Orphanet 29072, MedGen C4274332, MONDO:0017366.

Allele frequency attached by ClinVar (database versions not stated): gnomAD below 0.00001 and 0.00005; TOPMed 0.00001; gnomAD exomes 0.00003; 1000 Genomes Project 30x 0.00047; 1000 Genomes Project 0.00060.
gnomAD v4.1: 14 of 399,262 alleles (0.0035%); highest among the groups gnomAD compares: South Asian, 0.18%; no homozygotes.

Submission:

Illumina Laboratory Services, Illumina
Classification: Benign for Hereditary Paraganglioma-Pheochromocytoma Syndromes. Last evaluated: 2018-01-13. Review status: criteria provided, single submitter. Criteria: ICSL Variant Classification Criteria 13 December 2019. Collection method: clinical testing. Allele origin: germline.
Comment: This variant was observed in the ICSL laboratory as part of a predisposition screen in an ostensibly healthy population. It had not been previously curated by ICSL or reported in the Human Gene Mutation Database (HGMD: prior to June 1st, 2018), and was therefore a candidate for classification through an automated scoring system. Utilizing variant allele frequency, disease prevalence and penetrance estimates, and inheritance mode, an automated score was calculated to assess if this variant is too frequent to cause the disease. Based on the score and internal cut-off values, a variant classified as benign is not then subjected to further curation. The score for this variant resulted in a classification of benign for this disease.